The following is an entry in ClinVar:

ClinVar aggregate classification (germline): Conflicting classifications of pathogenicity. Review status: criteria provided, conflicting classifications (1 of 4 stars). 3 submissions from 3 submitters: Uncertain significance (1); Likely benign (2). Last evaluated 2026-01-11.

Conditions:
PEX14-related disorder. Also called: PEX14-related condition.
Peroxisome biogenesis disorder, complementation group K (CGK). Identifiers: MedGen C1866257, MONDO:0800365.

Allele frequency attached by ClinVar (database versions not stated): gnomAD 0.00002; gnomAD exomes 0.00002; TOPMed 0.00003; ExAC 0.00005.
gnomAD v4.1: 28 of 1,588,222 alleles (0.0018%); highest among the groups gnomAD compares: East Asian, 0.0023%; no homozygotes.

Submissions (3):

Labcorp Genetics (formerly Invitae), Labcorp
Classification: Likely benign for Peroxisome biogenesis disorder, complementation group K. Last evaluated: 2026-01-11. Review status: criteria provided, single submitter. Criteria: Invitae Variant Classification Sherloc (09022015). Collection method: clinical testing. Allele origin: germline.

PreventionGenetics, part of Exact Sciences
Classification: Likely benign for PEX14-related condition. Last evaluated: 2025-05-02. Review status: criteria provided, single submitter. Criteria: ACMG Guidelines, 2015. Collection method: clinical testing. Allele origin: germline.
Comment: This variant is classified as likely benign based on ACMG/AMP sequence variant interpretation guidelines (Richards et al. 2015 PMID: 25741868, with internal and published modifications).

Eurofins Ntd Llc (ga)
Classification: Uncertain significance. Last evaluated: 2016-09-27. Review status: criteria provided, single submitter. Criteria: EGL Classification Definitions 2015. Collection method: clinical testing. Allele origin: germline. Observed: 1 variant allele, 1 heterozygote.

NM_004565.3(PEX14):c.897C>T (p.Gly299=)

Gene: PEX14 (peroxisomal biogenesis factor 14; plus strand). Cytogenetic location: 1p36.22.
Variant type: single nucleotide variant.
Coding change: c.897C>T on transcript NM_004565.3 (MANE Select); coding-DNA position 897, C replaced by T.
Protein change: p.Gly299=; no amino-acid change (glycine 299 retained).
Molecular consequence: synonymous variant.
Genome position (GRCh38, 1-based): chr1:10,629,750, C>T. VCF-style: chr1-10629750-C-T. GRCh37 (hg19) VCF-style: chr1-10689807-C-T.
Identifiers: ClinVar variation 497626 (VCV000497626.15), dbSNP rs747580093, ClinGen allele CA583992.